The following is an entry in ClinVar:

NM_002734.5(PRKAR1A):c.77A>G (p.Asn26Ser)

Gene: PRKAR1A (protein kinase cAMP-dependent type I regulatory subunit alpha; plus strand). Cytogenetic location: 17q24.2.
Variant type: single nucleotide variant.
Coding change: c.77A>G on transcript NM_002734.5 (MANE Select); coding-DNA position 77, A replaced by G.
Protein change: p.Asn26Ser; replaces asparagine 26 with serine.
Molecular consequence: missense variant.
Genome position (GRCh38, 1-based): chr17:68,515,476, A>G. VCF-style: chr17-68515476-A-G. GRCh37 (hg19) VCF-style: chr17-66511617-A-G.
Other names: c.77A>G, p.Asn26Ser (NM_001276289.2, NM_001276290.1, NM_001278433.2 and 4 more transcripts); short protein forms N26S.
Identifiers: ClinVar variation 3425054 (VCV003425054.1).
Genomic context (GRCh38, chr17:68,515,476, plus strand): 5'-CCGCCGCCAGTGAGGAGGCACGCAGCCTTCGAGAATGTGAGCTCTACGTCCAGAAGCATA[A>G]CATTCAAGCGCTGCTCAAAGATTCTATTGTGCAGTTGTGCACTGCTCGACCTGAGAGACC-3'
Protein context (NP_002725.1, residues 16-36): RECELYVQKH[Asn26Ser]IQALLKDSIV

ClinVar aggregate classification (germline): Uncertain significance (1 of 4 stars; one submission).

Conditions:
Hereditary cancer-predisposing syndrome. Also called: Neoplastic Syndromes, Hereditary; Tumor predisposition; Hereditary Cancer Syndrome; Hereditary neoplastic syndrome. Identifiers: Orphanet 140162, MedGen C0027672, MeSH D009386, MONDO:0015356.

Submission:

Ambry Genetics
Classification: Uncertain significance for Hereditary cancer-predisposing syndrome. Last evaluated: 2024-07-01. Review status: criteria provided, single submitter. Criteria: Ambry Variant Classification Scheme 2023. Collection method: clinical testing. Allele origin: germline.
Comment: The p.N26S variant (also known as c.77A>G), located in coding exon 1 of the PRKAR1A gene, results from an A to G substitution at nucleotide position 77. The asparagine at codon 26 is replaced by serine, an amino acid with highly similar properties. This amino acid position is conserved. In addition, this alteration is predicted to be tolerated by in silico analysis. Based on the available evidence, the clinical significance of this variant remains unclear.